The following is an entry in ClinVar:

ClinVar aggregate classification (germline): Uncertain significance. Review status: criteria provided, multiple submitters, no conflicts (2 of 4 stars). 2 submissions from 2 submitters: Uncertain significance (2). Last evaluated 2023-11-08.

Conditions:
Von Hippel-Lindau syndrome (VHLS). Also called: Von Hippel-Lindau; von Hippel–Lindau syndrome; VHL syndrome. Identifiers: Orphanet 892, MedGen C0019562, MONDO:0008667, OMIM 193300. Disease mechanism: loss of function.
Chuvash polycythemia. Also called: POLYCYTHEMIA, VHL-DEPENDENT. Identifiers: Orphanet 238557, MedGen C1837915, MONDO:0009892, OMIM 263400.
Hereditary cancer-predisposing syndrome. Also called: Hereditary neoplastic syndrome; Neoplastic Syndromes, Hereditary; Tumor predisposition; Hereditary Cancer Syndrome. Identifiers: Orphanet 140162, MedGen C0027672, MeSH D009386, MONDO:0015356.

Allele frequency attached by ClinVar (database versions not stated): TOPMed below 0.00001; gnomAD 0.00001.
gnomAD v4.1: 2 of 1,558,140 alleles (0.00013%); highest among the groups gnomAD compares: South Asian, 0.0012%; no homozygotes.

Submissions (2):

Labcorp Genetics (formerly Invitae), Labcorp
Classification: Uncertain significance for Von Hippel-Lindau syndrome; Chuvash polycythemia. Last evaluated: 2023-11-08. Review status: criteria provided, single submitter. Criteria: Invitae Variant Classification Sherloc (09022015). Collection method: clinical testing. Allele origin: germline.
Comment: This sequence change replaces glutamic acid, which is acidic and polar, with lysine, which is basic and polar, at codon 42 of the VHL protein (p.Glu42Lys). This variant is not present in population databases (gnomAD no frequency). This variant has not been reported in the literature in individuals affected with VHL-related conditions. ClinVar contains an entry for this variant (Variation ID: 1043787). Advanced modeling of protein sequence and biophysical properties (such as structural, functional, and spatial information, amino acid conservation, physicochemical variation, residue mobility, and thermodynamic stability) performed at Invitae indicates that this missense variant is not expected to disrupt VHL protein function with a negative predictive value of 95%. In summary, the available evidence is currently insufficient to determine the role of this variant in disease. Therefore, it has been classified as a Variant of Uncertain Significance.

Ambry Genetics
Classification: Uncertain significance for Hereditary cancer-predisposing syndrome. Last evaluated: 2022-10-26. Review status: criteria provided, single submitter. Criteria: Ambry Variant Classification Scheme 2023. Collection method: clinical testing. Allele origin: germline.
Comment: The p.E42K variant (also known as c.124G>A), located in coding exon 1 of the VHL gene, results from a G to A substitution at nucleotide position 124. The glutamic acid at codon 42 is replaced by lysine, an amino acid with similar properties. This amino acid position is well conserved in available vertebrate species. In addition, the in silico prediction for this alteration is inconclusive. Since supporting evidence is limited at this time, the clinical significance of this alteration remains unclear.

NM_000551.4(VHL):c.124G>A (p.Glu42Lys)

Gene: VHL (von Hippel-Lindau tumor suppressor; plus strand). Cytogenetic location: 3p25.3.
Variant type: single nucleotide variant.
Coding change: c.124G>A on transcript NM_000551.4 (MANE Select); coding-DNA position 124, G replaced by A.
Protein change: p.Glu42Lys; replaces glutamic acid 42 with lysine.
Molecular consequence: missense variant.
Genome position (GRCh38, 1-based): chr3:10,141,971, G>A. VCF-style: chr3-10141971-G-A. GRCh37 (hg19) VCF-style: chr3-10183655-G-A.
Other names: c.124G>A, p.Glu42Lys (NM_001354723.2, NM_198156.3); short protein forms E42K.
Identifiers: ClinVar variation 1043787 (VCV001043787.11), dbSNP rs1696122809, ClinGen allele CA351747955.
Genomic context (GRCh38, chr3:10,141,971, plus strand): 5'-GAGTACGGCCCTGAAGAAGACGGCGGGGAGGAGTCGGGCGCCGAGGAGTCCGGCCCGGAA[G>A]AGTCCGGCCCGGAGGAACTGGGCGCCGAGGAGGAGATGGAGGCCGGGCGGCCGCGGCCCG-3'
Protein context (NP_000542.1, residues 32-52): ESGAEESGPE[Glu42Lys]SGPEELGAEE